The following is an entry in ClinVar:

NM_203288.2(RP9):c.312G>A (p.Gln104=)

Gene: RP9 (RP9 pre-mRNA splicing factor; minus strand). Cytogenetic location: 7p14.3.
Variant type: single nucleotide variant.
Coding change: c.312G>A on transcript NM_203288.2 (MANE Select); coding-DNA position 312, G replaced by A.
Protein change: p.Gln104=; no amino-acid change (glutamine 104 retained).
Molecular consequence: synonymous variant.
Genome position (GRCh38, 1-based): chr7:33,099,308, C>T on the plus strand (G>A on the coding strand, the complement: RP9 is on the minus strand). VCF-style: chr7-33099308-C-T. GRCh37 (hg19) VCF-style: chr7-33138920-C-T.
Identifiers: ClinVar variation 3617025 (VCV003617025.2).

ClinVar aggregate classification (germline): Uncertain significance (1 of 4 stars; one submission).

gnomAD v4.1: 1 of 1,612,964 alleles (0.000062%); highest among the groups gnomAD compares: Non-Finnish European, 0.000085%; no homozygotes.

Submission:

Labcorp Genetics (formerly Invitae), Labcorp
Classification: Uncertain significance. Last evaluated: 2024-03-07. Review status: criteria provided, single submitter. Criteria: Invitae Variant Classification Sherloc (09022015). Collection method: clinical testing. Allele origin: germline.
Comment: This sequence change affects codon 104 of the RP9 mRNA. It is a 'silent' change, meaning that it does not change the encoded amino acid sequence of the RP9 protein. It affects a nucleotide within the consensus splice site. This variant is not present in population databases (gnomAD no frequency). This variant has not been reported in the literature in individuals affected with RP9-related conditions. Algorithms developed to predict the effect of sequence changes on RNA splicing suggest that this variant is not likely to affect RNA splicing. In summary, the available evidence is currently insufficient to determine the role of this variant in disease. Therefore, it has been classified as a Variant of Uncertain Significance.